The following is an entry in ClinVar:

ClinVar aggregate classification (germline): Benign (0 of 4 stars; one submission).

Conditions:
ZFHX4-related disorder. Also called: ZFHX4-related condition.

Allele frequency attached by ClinVar (database versions not stated): TOPMed 0.03170; ESP Exome Variant Server 0.03749; gnomAD 0.03807; ExAC 0.03969; gnomAD exomes 0.04855; 1000 Genomes Project 30x 0.02124; 1000 Genomes Project 0.02137.
gnomAD v4.1: 76,587 of 1,613,724 alleles (4.7%); highest among the groups gnomAD compares: Non-Finnish European, 5.2%; 2,025 homozygotes.

Submission:

PreventionGenetics, part of Exact Sciences
Classification: Benign for ZFHX4-related condition. Last evaluated: 2019-05-08. Review status: no assertion criteria provided. Collection method: clinical testing. Allele origin: germline.
Comment: This variant is classified as benign based on ACMG/AMP sequence variant interpretation guidelines (Richards et al. 2015 PMID: 25741868, with internal and published modifications).

NM_024721.5(ZFHX4):c.3817C>T (p.Pro1273Ser)

Gene: ZFHX4 (zinc finger homeobox 4; plus strand). Cytogenetic location: 8q21.13.
Variant type: single nucleotide variant.
Coding change: c.3817C>T on transcript NM_024721.5 (MANE Select); coding-DNA position 3817, C replaced by T.
Protein change: p.Pro1273Ser; replaces proline 1273 with serine.
Molecular consequence: missense variant.
Genome position (GRCh38, 1-based): chr8:76,849,683, C>T. VCF-style: chr8-76849683-C-T. GRCh37 (hg19) VCF-style: chr8-77761919-C-T.
Other names: c.3739C>T, p.Pro1247Ser (NM_001410934.1); short protein forms P1247S, P1273S.
Identifiers: ClinVar variation 3037269 (VCV003037269.2), dbSNP rs61729527, ClinGen allele CA4787367.